The following is an entry in ClinVar:

NM_001321075.3(DLG4):c.665A>G (p.Asp222Gly)

Gene: DLG4 (discs large MAGUK scaffold protein 4; minus strand). Cytogenetic location: 17p13.1.
Variant type: single nucleotide variant.
Coding change: c.665A>G on transcript NM_001321075.3 (MANE Select); coding-DNA position 665, A replaced by G.
Protein change: p.Asp222Gly; replaces aspartic acid 222 with glycine.
Molecular consequence: missense variant. On other transcripts: non-coding transcript variant (1).
Genome position (GRCh38, 1-based): chr17:7,203,025, T>C on the plus strand (A>G on the coding strand, the complement: DLG4 is on the minus strand). VCF-style: chr17-7203025-T-C. GRCh37 (hg19) VCF-style: chr17-7106344-T-C.
Other names: c.656A>G, p.Asp219Gly (NM_001128827.4); c.785A>G, p.Asp262Gly (NM_001321074.1); c.485A>G, p.Asp162Gly (NM_001321076.3, NM_001321077.3); c.794A>G, p.Asp265Gly (NM_001365.5); c.584A>G, p.Asp195Gly (NM_001369566.3); short protein forms D162G, D265G, D195G, D219G, D262G, D222G.
Identifiers: ClinVar variation 5002714 (VCV005002714.1).

ClinVar aggregate classification (germline): Uncertain significance (1 of 4 stars; one submission).

Conditions:
Intellectual developmental disorder 62. Also called: MENTAL RETARDATION, AUTOSOMAL DOMINANT 62; INTELLECTUAL DEVELOPMENTAL DISORDER, AUTOSOMAL DOMINANT 62. Identifiers: MedGen C5394083, MONDO:0032919, OMIM 618793.

Submission:

OLLIN Analises Genomicas, OLLIN
Classification: Uncertain significance for Intellectual developmental disorder 62. Last evaluated: 2026-08-06. Review status: criteria provided, single submitter. Criteria: ACMG Guidelines 2015 PMID 25741868. Collection method: clinical testing. Allele origin: germline. Inheritance: Autosomal dominant inheritance.
Comment: This missense variant, located in exon 8 (of 20), is absent from gnomAD and ClinVar and has not been identified in the literature. In silico analysis predicts that this variant has a tolerated effect. According to the currently available evidence, this variant has been classified as uncertain significance (PM2_P, BP4).